The following is an entry in ClinVar:

ClinVar aggregate classification (germline): Uncertain significance. Review status: criteria provided, multiple submitters, no conflicts (2 of 4 stars). 3 submissions from 3 submitters: Uncertain significance (3). Last evaluated 2025-08-25.

Conditions:
Hypogonadotropic hypogonadism 7 with or without anosmia (HH7). Also called: GNRHR-Related GnRH Deficiency; HYPOGONADOTROPIC HYPOGONADISM 7 WITHOUT ANOSMIA. Identifiers: Orphanet 432, MedGen C0342384, MONDO:0007794, OMIM 146110.
CHARGE syndrome (CHARGE). Also called: Hittner Hirsch Kreh syndrome; CHARGE ASSOCIATION--COLOBOMA, HEART ANOMALY, CHOANAL ATRESIA, RETARDATION, GENITAL AND EAR ANOMALIES; Coloboma, heart anomaly, choanal atresia, retardation, genital and ear anomalies; CHARGE association; Hall-Hittner syndrome. Identifiers: Orphanet 138, MedGen C0265354, MONDO:0008965.
SEMA3E-related disorder. Also called: SEMA3E-related condition.

gnomAD v4.1: 1 of 1,613,048 alleles (0.000062%); highest among the groups gnomAD compares: Non-Finnish European, 0.000085%; no homozygotes.

Submissions (3):

PreventionGenetics, part of Exact Sciences
Classification: Uncertain significance for SEMA3E-related condition. Last evaluated: 2025-08-25. Review status: criteria provided, single submitter. Criteria: ACMG Guidelines, 2015. Collection method: clinical testing. Allele origin: germline.
Comment: The SEMA3E c.957T>G variant is predicted to result in the amino acid substitution p.Asp319Glu. To our knowledge, this variant has not been reported in the literature or in a large population database (gnomAD), indicating this variant is rare. At this time, the clinical significance of this variant is uncertain due to the absence of conclusive functional and genetic evidence.

Fulgent Genetics
Classification: Uncertain significance for Hypogonadotropic hypogonadism 7 with or without anosmia; CHD7-related CHARGE syndrome. Last evaluated: 2022-04-27. Review status: criteria provided, single submitter. Criteria: ACMG Guidelines, 2015. Collection method: clinical testing. Allele origin: unknown.

Labcorp Genetics (formerly Invitae), Labcorp
Classification: Uncertain significance for CHARGE syndrome. Last evaluated: 2021-11-26. Review status: criteria provided, single submitter. Criteria: Invitae Variant Classification Sherloc (09022015). Collection method: clinical testing. Allele origin: germline.
Comment: This sequence change replaces aspartic acid, which is acidic and polar, with glutamic acid, which is acidic and polar, at codon 319 of the SEMA3E protein (p.Asp319Glu). In summary, the available evidence is currently insufficient to determine the role of this variant in disease. Therefore, it has been classified as a Variant of Uncertain Significance. Algorithms developed to predict the effect of missense changes on protein structure and function are either unavailable or do not agree on the potential impact of this missense change (SIFT: "Deleterious"; PolyPhen-2: "Benign"; Align-GVGD: "Class C0"). This variant has not been reported in the literature in individuals affected with SEMA3E-related conditions. This variant is not present in population databases (gnomAD no frequency).

NM_012431.3(SEMA3E):c.957T>G (p.Asp319Glu)

Gene: SEMA3E (semaphorin 3E; minus strand). Cytogenetic location: 7q21.11.
Variant type: single nucleotide variant.
Coding change: c.957T>G on transcript NM_012431.3 (MANE Select); coding-DNA position 957, T replaced by G.
Protein change: p.Asp319Glu; replaces aspartic acid 319 with glutamic acid.
Molecular consequence: missense variant.
Genome position (GRCh38, 1-based): chr7:83,405,491, A>C on the plus strand (T>G on the coding strand, the complement: SEMA3E is on the minus strand). VCF-style: chr7-83405491-A-C. GRCh37 (hg19) VCF-style: chr7-83034807-A-C.
Other names: c.777T>G, p.Asp259Glu (NM_001178129.2); c.957T>G (NM_012431.2); short protein forms D259E, D319E.
Identifiers: ClinVar variation 1385806 (VCV001385806.8), dbSNP rs763045418, ClinGen allele CA367929451.